The following is an entry in ClinVar:

ClinVar aggregate classification (germline): Uncertain significance (0 of 4 stars; one submission).

Conditions:
F5-related disorder. Also called: F5-related condition.

Allele frequency attached by ClinVar (database versions not stated): gnomAD 0.00001; gnomAD exomes 0.00001.
gnomAD v4.1: 12 of 1,614,046 alleles (0.00074%); highest among the groups gnomAD compares: Middle Eastern, 0.016%; no homozygotes.

Submission:

PreventionGenetics, part of Exact Sciences
Classification: Uncertain significance for F5-related condition. Last evaluated: 2023-11-18. Review status: no assertion criteria provided. Collection method: clinical testing. Allele origin: germline.
Comment: The F5 c.1631A>G variant is predicted to result in the amino acid substitution p.Gln544Arg. This variant was reported in an individual with deep vein thrombosis (Abdi et al. 2017. PubMed ID: 28889200). This variant has not been reported in a large population database, indicating this variant is rare. At this time, the clinical significance of this variant is uncertain due to the absence of conclusive functional and genetic evidence.

NM_000130.5(F5):c.1631A>G (p.Gln544Arg)

Gene: F5 (coagulation factor V; minus strand). Cytogenetic location: 1q24.2.
Variant type: single nucleotide variant.
Coding change: c.1631A>G on transcript NM_000130.5 (MANE Select); coding-DNA position 1631, A replaced by G.
Protein change: p.Gln544Arg; replaces glutamine 544 with arginine.
Molecular consequence: missense variant.
Genome position (GRCh38, 1-based): chr1:169,546,573, T>C on the plus strand (A>G on the coding strand, the complement: F5 is on the minus strand). VCF-style: chr1-169546573-T-C. GRCh37 (hg19) VCF-style: chr1-169515811-T-C.
Other names: short protein forms Q544R.
Identifiers: ClinVar variation 3057369 (VCV003057369.2), dbSNP rs1164821473, ClinGen allele CA343124035.
Genomic context (GRCh38, chr1:169,546,573, plus strand): 5'-TTGATGTTGTCCTCAAGGTACCAGCTTTTGTTCTCATCAAACACAGCAAACACAGCCTGC[T>C]GTTCGATGTCTGCTGCCCTCTGGAGGACAAAACAGTATAGTACTGGTACAAGAACAGACG-3'
Protein context (NP_000121.2, residues 534-554): RGIQRAADIE[Gln544Arg]QAVFAVFDEN